The following is an entry in ClinVar:

ClinVar aggregate classification (germline): Uncertain significance (1 of 4 stars; one submission).

Allele frequency attached by ClinVar (database versions not stated): gnomAD exomes below 0.00001.

Submission:

Labcorp Genetics (formerly Invitae), Labcorp
Classification: Uncertain significance. Last evaluated: 2023-11-27. Review status: criteria provided, single submitter. Criteria: Invitae Variant Classification Sherloc (09022015). Collection method: clinical testing. Allele origin: germline.
Comment: This sequence change replaces aspartic acid, which is acidic and polar, with asparagine, which is neutral and polar, at codon 230 of the PRPF4 protein (p.Asp230Asn). This variant is not present in population databases (gnomAD no frequency). This variant has not been reported in the literature in individuals affected with PRPF4-related conditions. ClinVar contains an entry for this variant (Variation ID: 2086737). An algorithm developed to predict the effect of missense changes on protein structure and function (PolyPhen-2) suggests that this variant is likely to be disruptive. In summary, the available evidence is currently insufficient to determine the role of this variant in disease. Therefore, it has been classified as a Variant of Uncertain Significance.

NM_001244926.2(PRPF4):c.685G>A (p.Asp229Asn)

Gene: PRPF4 (pre-mRNA splicing tri-snRNP complex factor PRPF4; plus strand). Cytogenetic location: 9q32.
Variant type: single nucleotide variant.
Coding change: c.685G>A on transcript NM_001244926.2 (MANE Select); coding-DNA position 685, G replaced by A.
Protein change: p.Asp229Asn; replaces aspartic acid 229 with asparagine.
Molecular consequence: missense variant. On other transcripts: 5 prime UTR variant (2), non-coding transcript variant (2).
Genome position (GRCh38, 1-based): chr9:113,284,325, G>A. VCF-style: chr9-113284325-G-A. GRCh37 (hg19) VCF-style: chr9-116046605-G-A.
Other names: c.-81G>A (NM_001322266.2, NM_001322267.2); c.688G>A, p.Asp230Asn (NM_004697.5); short protein forms D229N, D230N.
Identifiers: ClinVar variation 2086737 (VCV002086737.4), dbSNP rs1832371158, ClinGen allele CA374553611.
Genomic context (GRCh38, chr9:113,284,325, plus strand): 5'-CACCGTGTGTGTATTTTTTTTCTTTTTAAGTCTTTGAATAATTTTTGCAGTCAGATTGGG[G>A]ATGATCGGCCTATCTCCTACTGTCACTTTAGTCCCAATTCCAAGATGCTGGCCACAGCTT-3'
Protein context (NP_001231855.1, residues 219-239): SLNNFCSQIG[Asp229Asn]DRPISYCHFS